The following is an entry in ClinVar:

ClinVar aggregate classification (germline): Pathogenic. Review status: criteria provided, multiple submitters, no conflicts (2 of 4 stars). 2 submissions from 2 submitters: Pathogenic (2). Last evaluated 2025-12-01.

Conditions:
X-linked agammaglobulinemia with growth hormone deficiency (IGHD3). Also called: Isolated growth hormone deficiency type 3; Growth hormone deficiency with hypogammaglobulinemia; AGAMMAGLOBULINEMIA AND ISOLATED GROWTH HORMONE DEFICIENCY, X-LINKED; FLEISHER SYNDROME; ISOLATED GROWTH HORMONE DEFICIENCY, TYPE III, WITH AGAMMAGLOBULINEMIA; HYPOGAMMAGLOBULINEMIA AND ISOLATED GROWTH HORMONE DEFICIENCY, X-LINKED. Identifiers: Orphanet 231692, Orphanet 631, MedGen C0472813, MONDO:0010615, OMIM 307200.

Submissions (2):

CeGaT Center for Human Genetics Tuebingen
Classification: Pathogenic. Last evaluated: 2025-12-01. Review status: criteria provided, single submitter. Criteria: CeGaT Center For Human Genetics Tuebingen Variant Classification Criteria Version 2. Collection method: clinical testing. Allele origin: germline. Affected: yes. Observed: 1 variant allele.
Comment: BTK: PVS1, PM2

Labcorp Genetics (formerly Invitae), Labcorp
Classification: Pathogenic for X-linked agammaglobulinemia with growth hormone deficiency. Last evaluated: 2022-08-06. Review status: criteria provided, single submitter. Criteria: Invitae Variant Classification Sherloc (09022015). Collection method: clinical testing. Allele origin: germline.
Comment: ClinVar contains an entry for this variant (Variation ID: 1406578). This variant has not been reported in the literature in individuals affected with BTK-related conditions. This variant is not present in population databases (gnomAD no frequency). This sequence change creates a premature translational stop signal (p.Thr474Asnfs*2) in the BTK gene. It is expected to result in an absent or disrupted protein product. Loss-of-function variants in BTK are known to be pathogenic (PMID: 15661032, 16862044, 19419768). For these reasons, this variant has been classified as Pathogenic.

Literature cited by the submitters: PubMed 15661032 (cited by Labcorp Genetics (formerly Invitae), Labcorp); PubMed 16862044 (cited by Labcorp Genetics (formerly Invitae), Labcorp); PubMed 19419768 (cited by Labcorp Genetics (formerly Invitae), Labcorp).

NM_000061.3(BTK):c.1420dup (p.Thr474fs)

Gene: BTK (Bruton tyrosine kinase; minus strand). Cytogenetic location: Xq22.1.
Variant type: Duplication.
Coding change: c.1420dup on transcript NM_000061.3 (MANE Select); coding-DNA position 1420, one base duplicated (A; older notation c.1420dupA).
Protein change: p.Thr474fs; shifts the reading frame from threonine 474.
Molecular consequence: frameshift variant. On other transcripts: intron variant (1).
Genome position (GRCh38, 1-based): chrX:101,356,198, T duplicated on the plus strand (A on the coding strand, the reverse complement: BTK is on the minus strand). VCF-style (leftmost placement, unchanged base first): chrX-101356197-G-GT. GRCh37 (hg19) VCF-style: chrX-100611185-G-GT.
Other names: c.1522dup, p.Thr508fs (NM_001287344.2); c.1039-1504dup (NM_001287345.2); short protein forms T508fs, T474fs.
Identifiers: ClinVar variation 1406578 (VCV001406578.11), dbSNP rs2147427470, ClinGen allele CA2573159068.